The following is an entry in ClinVar:

NM_001365276.2(TNXB):c.7601C>T (p.Ser2534Phe)

Gene: TNXB (tenascin XB; minus strand). Cytogenetic location: 6p21.33.
Variant type: single nucleotide variant.
Coding change: c.7601C>T on transcript NM_001365276.2 (MANE Select); coding-DNA position 7601, C replaced by T.
Protein change: p.Ser2534Phe; replaces serine 2534 with phenylalanine.
Molecular consequence: missense variant.
Genome position (GRCh38, 1-based): chr6:32,058,282, G>A on the plus strand (C>T on the coding strand, the complement: TNXB is on the minus strand). VCF-style: chr6-32058282-G-A. GRCh37 (hg19) VCF-style: chr6-32026059-G-A.
Other names: p.Ser2534Phe; c.8342C>T, p.Ser2781Phe (NM_001428335.1); c.7601C>T, p.Ser2534Phe (NM_019105.8); short protein forms S2534F, S2781F.
Identifiers: ClinVar variation 4188795 (VCV004188795.3).

ClinVar aggregate classification (germline): Uncertain significance. Review status: criteria provided, multiple submitters, no conflicts (2 of 4 stars). 2 submissions from 2 submitters: Uncertain significance (2). Last evaluated 2026-08-22.

Conditions:
Cardiovascular phenotype. Identifiers: MedGen CN230736.

gnomAD v4.1: 1 of 1,612,392 alleles (0.000062%); highest among the groups gnomAD compares: Non-Finnish European, 0.000085%; no homozygotes.

Submissions (2):

Ambry Genetics
Classification: Uncertain significance for Cardiovascular phenotype. Last evaluated: 2026-08-22. Review status: criteria provided, single submitter. Criteria: Ambry Variant Classification Scheme 2023. Collection method: clinical testing. Allele origin: germline.
Comment: The p.S2534F variant (also known as c.7601C>T), located in coding exon 21 of the TNXB gene, results from a C to T substitution at nucleotide position 7601. The serine at codon 2534 is replaced by phenylalanine, an amino acid with highly dissimilar properties. This amino acid position is conserved. In addition, this alteration is predicted to be tolerated by in silico analysis. Based on the available evidence, the clinical significance of this variant remains unclear.

Mayo Clinic Laboratories, Mayo Clinic
Classification: Uncertain significance. Last evaluated: 2025-04-30. Review status: criteria provided, single submitter. Criteria: ACMG Guidelines, 2015. Collection method: clinical testing. Allele origin: germline. Observed: 1 variant allele.
Comment: BP4_moderate, PM2_supporting